The following is an entry in ClinVar:

NM_000038.6(APC):c.3724_3725insTCTACTTCTCAAAAGGCTCAAA (p.Gln1242fs)

Gene: APC (APC regulator of Wnt signaling pathway; plus strand). Cytogenetic location: 5q22.2.
Variant type: Insertion.
Coding change: c.3724_3725insTCTACTTCTCAAAAGGCTCAAA on transcript NM_000038.6 (MANE Select); coding-DNA positions 3724 to 3725, TCTACTTCTCAAAAGGCTCAAA inserted.
Protein change: p.Gln1242fs; shifts the reading frame from glutamine 1242.
Molecular consequence: frameshift variant.
Genome position: GRCh38 VCF-style: chr5-112839318-C-CTCTACTTCTCAAAAGGCTCAAA. GRCh37 (hg19) VCF-style: chr5-112175015-C-CTCTACTTCTCAAAAGGCTCAAA.
Other names: c.3724_3725insTCTACTTCTCAAAAGGCTCAAA, p.Gln1242fs (NM_001127510.3, NM_001354895.2); c.3670_3671insTCTACTTCTCAAAAGGCTCAAA, p.Gln1224fs (NM_001127511.3); c.3778_3779insTCTACTTCTCAAAAGGCTCAAA, p.Gln1260fs (NM_001354896.2); c.3754_3755insTCTACTTCTCAAAAGGCTCAAA, p.Gln1252fs (NM_001354897.2); c.3649_3650insTCTACTTCTCAAAAGGCTCAAA, p.Gln1217fs (NM_001354898.2); c.3640_3641insTCTACTTCTCAAAAGGCTCAAA, p.Gln1214fs (NM_001354899.2); c.3601_3602insTCTACTTCTCAAAAGGCTCAAA, p.Gln1201fs (NM_001354900.2); c.3547_3548insTCTACTTCTCAAAAGGCTCAAA, p.Gln1183fs (NM_001354901.2); and 16 more; short protein forms Q1116fs, Q1151fs, Q1224fs, Q1082fs, Q1201fs, Q1242fs, Q1252fs, Q1260fs.
Identifiers: ClinVar variation 1734318 (VCV001734318.2), dbSNP rs2533519468, ClinGen allele CA2580072976.

ClinVar aggregate classification (germline): Pathogenic (1 of 4 stars; one submission).

Conditions:
Hereditary cancer-predisposing syndrome. Also called: Neoplastic Syndromes, Hereditary; Tumor predisposition; Hereditary Cancer Syndrome; Hereditary neoplastic syndrome. Identifiers: Orphanet 140162, MedGen C0027672, MeSH D009386, MONDO:0015356.

Submission:

Ambry Genetics
Classification: Pathogenic for Hereditary cancer-predisposing syndrome. Last evaluated: 2018-07-02. Review status: criteria provided, single submitter. Criteria: Ambry Variant Classification Scheme 2023. Collection method: clinical testing. Allele origin: germline.
Comment: The c.3724_3725ins22 pathogenic mutation, located in coding exon 15 of the APC gene, results from an insertion of 22 nucleotides at position 3724, causing a translational frameshift with a predicted alternate stop codon (p.Q1242Lfs*21). This alteration is expected to result in loss of function by premature protein truncation or nonsense-mediated mRNA decay. As such, this alteration is interpreted as a disease-causing mutation.